The following is an entry in ClinVar:

ClinVar aggregate classification (germline): Uncertain significance (1 of 4 stars; one submission).

Conditions:
Cystic fibrosis (CF). Also called: MUCOVISCIDOSIS. Identifiers: Orphanet 586, MedGen C0010674, MONDO:0009061, OMIM 219700. Disease mechanism: loss of function.

Submission:

Ambry Genetics
Classification: Uncertain significance for Cystic fibrosis. Last evaluated: 2025-05-12. Review status: criteria provided, single submitter. Criteria: Ambry Variant Classification Scheme 2023. Collection method: clinical testing. Allele origin: germline.
Comment: The p.Q30R variant (also known as c.89A>G), located in coding exon 2 of the CFTR gene, results from an A to G substitution at nucleotide position 89. The glutamine at codon 30 is replaced by arginine, an amino acid with highly similar properties. This amino acid position is not well conserved in available vertebrate species. In addition, this alteration is predicted to be tolerated by in silico analysis. Based on the available evidence, the clinical significance of this variant remains unclear.

NM_000492.4(CFTR):c.89A>G (p.Gln30Arg)

Gene: CFTR (CF transmembrane conductance regulator; plus strand). Cytogenetic location: 7q31.2.
Variant type: single nucleotide variant.
Coding change: c.89A>G on transcript NM_000492.4 (MANE Select); coding-DNA position 89, A replaced by G.
Protein change: p.Gln30Arg; replaces glutamine 30 with arginine.
Molecular consequence: missense variant.
Genome position (GRCh38, 1-based): chr7:117,504,288, A>G. VCF-style: chr7-117504288-A-G. GRCh37 (hg19) VCF-style: chr7-117144342-A-G.
Other names: short protein forms Q30R.
Identifiers: ClinVar variation 4001852 (VCV004001852.1).